The following is an entry in ClinVar:

ClinVar aggregate classification (germline): Uncertain significance (1 of 4 stars; one submission).

Conditions:
Early-infantile DEE. Also called: Early infantile epileptic encephalopathy; Ohtahara syndrome; Early infantile epileptic encephalopathy with suppression bursts. Identifiers: Orphanet 1934, MedGen C0393706, MONDO:0800491.

Submission:

Labcorp Genetics (formerly Invitae), Labcorp
Classification: Uncertain significance for Early-infantile DEE. Last evaluated: 2022-05-03. Review status: criteria provided, single submitter. Criteria: Invitae Variant Classification Sherloc (09022015). Collection method: clinical testing. Allele origin: germline.
Comment: This sequence change falls in intron 13 of the ARHGEF15 gene. It does not directly change the encoded amino acid sequence of the ARHGEF15 protein. This variant is not present in population databases (gnomAD no frequency). In summary, the available evidence is currently insufficient to determine the role of this variant in disease. Therefore, it has been classified as a Variant of Uncertain Significance. Algorithms developed to predict the effect of sequence changes on RNA splicing suggest that this variant may create or strengthen a splice site. This variant has not been reported in the literature in individuals affected with ARHGEF15-related conditions.

NM_173728.4(ARHGEF15):c.2187-19T>G

Gene: ARHGEF15 (Rho guanine nucleotide exchange factor 15; plus strand). Cytogenetic location: 17p13.1.
Variant type: single nucleotide variant.
Coding change: c.2187-19T>G on transcript NM_173728.4 (MANE Select); 19 bases into the intron before coding-DNA position 2187, T replaced by G.
Molecular consequence: intron variant.
Genome position (GRCh38, 1-based): chr17:8,319,293, T>G. VCF-style: chr17-8319293-T-G. GRCh37 (hg19) VCF-style: chr17-8222611-T-G.
Other names: c.2187-19T>G (NM_025014.2).
Identifiers: ClinVar variation 2133178 (VCV002133178.4), dbSNP rs2543949942, ClinGen allele CA2580095018.
Genomic context (GRCh38, chr17:8,319,293, plus strand): 5'-TCTCTCTCTTCTGTGGCTCCTGCCTCAGCCCCAGAGGATCTTTTGGGCCAACTGTGACAC[T>G]TCCCAATATCCCCACCAGATCAGACATGCAGCGCTGGCTGGGAGCCTTCCCAACCCCAGG-3'